The following is an entry in ClinVar:

NM_000038.6(APC):c.1829A>G (p.Asp610Gly)

Gene: APC (APC regulator of Wnt signaling pathway; plus strand). Cytogenetic location: 5q22.2.
Variant type: single nucleotide variant.
Coding change: c.1829A>G on transcript NM_000038.6 (MANE Select); coding-DNA position 1829, A replaced by G.
Protein change: p.Asp610Gly; replaces aspartic acid 610 with glycine.
Molecular consequence: missense variant.
Genome position (GRCh38, 1-based): chr5:112,835,036, A>G. VCF-style: chr5-112835036-A-G. GRCh37 (hg19) VCF-style: chr5-112170733-A-G.
Other names: c.1829A>G, p.Asp610Gly (NM_001127510.3, NM_001354895.2); c.1754A>G, p.Asp585Gly (NM_001354898.2); c.1883A>G, p.Asp628Gly (NM_001354896.2); c.1859A>G, p.Asp620Gly (NM_001354897.2); c.1775A>G, p.Asp592Gly (NM_001127511.3); c.1745A>G, p.Asp582Gly (NM_001354899.2); c.1706A>G, p.Asp569Gly (NM_001354900.2); c.1652A>G, p.Asp551Gly (NM_001354901.2); and 5 more; short protein forms D592G, D610G, D327G, D450G, D620G, D484G, D509G, D582G.
Identifiers: ClinVar variation 230672 (VCV000230672.32), dbSNP rs756090401, ClinGen allele CA029664.

ClinVar aggregate classification (germline): Uncertain significance. Review status: criteria provided, multiple submitters, no conflicts (2 of 4 stars). 8 submissions from 8 submitters: Uncertain significance (8). Last evaluated 2025-11-10.

Conditions:
Hereditary cancer-predisposing syndrome. Also called: Neoplastic Syndromes, Hereditary; Tumor predisposition; Hereditary Cancer Syndrome; Hereditary neoplastic syndrome. Identifiers: Orphanet 140162, MedGen C0027672, MeSH D009386, MONDO:0015356.
Familial adenomatous polyposis 1 (FAP1). Also called: FAMILIAL ADENOMATOUS POLYPOSIS 1, ATTENUATED; POLYPOSIS, ADENOMATOUS INTESTINAL. Identifiers: MedGen C2713442, MONDO:0021056, OMIM 175100. Disease mechanism: loss of function.
Classic or attenuated familial adenomatous polyposis. Identifiers: MedGen CN372698, MONDO:0021057.

Allele frequency attached by ClinVar (database versions not stated): ExAC 0.00001; gnomAD 0.00001; gnomAD exomes 0.00001.
gnomAD v4.1: 22 of 1,614,028 alleles (0.0014%); highest among the groups gnomAD compares: East Asian, 0.0022%; no homozygotes.

Submissions (8):

Labcorp Genetics (formerly Invitae), Labcorp
Classification: Uncertain significance for Familial adenomatous polyposis 1. Last evaluated: 2025-11-10. Review status: criteria provided, single submitter. Criteria: Invitae Variant Classification Sherloc (09022015). Collection method: clinical testing. Allele origin: germline.
Comment: This sequence change replaces aspartic acid, which is acidic and polar, with glycine, which is neutral and non-polar, at codon 610 of the APC protein (p.Asp610Gly). This variant is present in population databases (rs756090401, gnomAD 0.005%). This missense change has been observed in individual(s) with APC-related conditions (PMID: 31422818). ClinVar contains an entry for this variant (Variation ID: 230672). Invitae Evidence Modeling of protein sequence and biophysical properties (such as structural, functional, and spatial information, amino acid conservation, physicochemical variation, residue mobility, and thermodynamic stability) indicates that this missense variant is not expected to disrupt APC protein function with a negative predictive value of 95%. In summary, the available evidence is currently insufficient to determine the role of this variant in disease. Therefore, it has been classified as a Variant of Uncertain Significance.

Ambry Genetics
Classification: Uncertain significance for Hereditary cancer-predisposing syndrome. Last evaluated: 2025-04-01. Review status: criteria provided, single submitter. Criteria: Ambry Variant Classification Scheme 2023. Collection method: clinical testing. Allele origin: germline.
Comment: The p.D610G variant (also known as c.1829A>G), located in coding exon 14 of the APC gene, results from an A to G substitution at nucleotide position 1829. The aspartic acid at codon 610 is replaced by glycine, an amino acid with similar properties. This alteration was detected in a study of 1165 individuals with a history of colorectal cancer or colon polyps as well as 590 controls (Gordon AS et al. Am J Hum Genet, 2019 Sep;105:526-533). This amino acid position is well conserved in available vertebrate species. In addition, in silico predictors for this gene do not accurately predict pathogenicity. Based on the available evidence, the clinical significance of this alteration remains unclear.

Quest Diagnostics Nichols Institute San Juan Capistrano
Classification: Uncertain significance. Last evaluated: 2024-01-31. Review status: criteria provided, single submitter. Criteria: Quest Diagnostics criteria. Collection method: clinical testing. Allele origin: unknown.
Comment: The APC c.1829A>G (p.Asp610Gly) variant has been reported in the published literature in at least one individual with colorectal cancer or polyps (PMID: 31422818 (2019)) and in an individual with non-small cell lung cancer who also developed brain metastasis (PMID: 37591896 (2023)). The frequency of this variant in the general population, 0.000011 (3/282718 chromosomes (Genome Aggregation Database)), is uninformative in the assessment of its pathogenicity. Analysis of this variant using bioinformatics tools for the prediction of the effect of amino acid changes on protein structure and function yielded predictions that this variant is benign. Based on the available information, we are unable to determine the clinical significance of this variant.

Baylor Genetics
Classification: Uncertain significance for Familial adenomatous polyposis 1. Last evaluated: 2024-01-11. Review status: criteria provided, single submitter. Criteria: ACMG Guidelines, 2015. Collection method: clinical testing. Allele origin: unknown.

All of Us Research Program, National Institutes of Health
Classification: Uncertain significance for Classic or attenuated familial adenomatous polyposis. Last evaluated: 2023-10-06. Review status: criteria provided, single submitter. Criteria: ACMG Guidelines, 2015. Collection method: clinical testing. Allele origin: germline. Inheritance: Autosomal dominant inheritance. Observed: 1 variant allele, 1 heterozygote.
Comment: This missense variant replaces aspartic acid with glycine at codon 610 of the APC protein. Computational prediction suggests that this variant may not impact protein structure and function (internally defined REVEL score threshold <= 0.5, PMID: 27666373). To our knowledge, functional studies have not been reported for this variant. This variant has been reported in individual affected with colorectal cancer or more than one colon polyps (PMID: 31422818). This variant has been identified in 3/282718 chromosomes in the general population by the Genome Aggregation Database (gnomAD). The available evidence is insufficient to determine the role of this variant in disease conclusively. Therefore, this variant is classified as a Variant of Uncertain Significance.

This study involves interpretation of variants in research participants for the purpose of population health screening. Participant phenotype was not available at the time of variant classification. Additional details can be found in publication PMID: 35346344, PMCID: PMC8962531

Color Diagnostics, LLC DBA Color Health
Classification: Uncertain significance for Hereditary cancer-predisposing syndrome. Last evaluated: 2023-09-27. Review status: criteria provided, single submitter. Criteria: ACMG Guidelines, 2015. Collection method: clinical testing. Allele origin: germline.
Comment: This missense variant replaces aspartic acid with glycine at codon 610 of the APC protein. Computational prediction suggests that this variant may not impact protein structure and function (internally defined REVEL score threshold <= 0.5, PMID: 27666373). To our knowledge, functional studies have not been reported for this variant. This variant has been reported in individual affected with colorectal cancer or more than one colon polyps (PMID: 31422818). This variant has been identified in 3/282718 chromosomes in the general population by the Genome Aggregation Database (gnomAD). The available evidence is insufficient to determine the role of this variant in disease conclusively. Therefore, this variant is classified as a Variant of Uncertain Significance.

St. Jude Molecular Pathology, St. Jude Children's Research Hospital
Classification: Uncertain significance for Familial adenomatous polyposis 1. Last evaluated: 2023-03-14. Review status: criteria provided, single submitter. Criteria: St. Jude Assertion Criteria 2020. Collection method: clinical testing. Allele origin: germline.
Comment: The APC c.1829A>G (p.Asp610Gly) missense change has a maximum subpopulation frequency of 0.0050% in gnomAD v2.1.1. The in silico tool REVEL is inconclusive about a pathogenic or benign effect of this variant on protein function, and to our knowledge functional studies have not been performed. To our knowledge, this variant has not been reported in individuals with APC-related familial adenomatous polyposis. In summary, the evidence currently available is insufficient to determine the clinical significance of this variant. It has therefore been classified as of uncertain significance.

Laboratory for Molecular Medicine, Mass General Brigham Personalized Medicine
Classification: Uncertain significance. Last evaluated: 2017-01-05. Review status: criteria provided, single submitter. Criteria: LMM Criteria. Collection method: clinical testing. Allele origin: germline. Observed: 1 variant allele.
Comment: The p.Asp610Gly variant in APC has not been previously reported in individuals w ith APC-associated polyposis. This variant has been identified in 1/8642 of East Asian chromosomes by the Exome Aggregation Consortium (ExAC; dbSNP rs756090401). Computational prediction tools and conservatio n analysis do not provide strong support for or against an impact to the protein . In summary, the clinical significance of the p.Asp610Gly variant is uncertain.

Literature cited by the submitters: PubMed 31422818 (cited by 5 submitters); PubMed 37591896 (cited by Quest Diagnostics Nichols Institute San Juan Capistrano).